The following is an entry in ClinVar:

NM_033305.3(VPS13A):c.6410A>G (p.Glu2137Gly)

Gene: VPS13A (vacuolar protein sorting 13 homolog A; plus strand). Cytogenetic location: 9q21.2.
Variant type: single nucleotide variant.
Coding change: c.6410A>G on transcript NM_033305.3 (MANE Select); coding-DNA position 6410, A replaced by G.
Protein change: p.Glu2137Gly; replaces glutamic acid 2137 with glycine.
Molecular consequence: missense variant.
Genome position (GRCh38, 1-based): chr9:77,339,547, A>G. VCF-style: chr9-77339547-A-G. GRCh37 (hg19) VCF-style: chr9-79954463-A-G.
Other names: c.6293A>G, p.Glu2098Gly (NM_001018037.2); c.6410A>G, p.Glu2137Gly (NM_001018038.3, NM_015186.4); short protein forms E2137G, E2098G.
Identifiers: ClinVar variation 367401 (VCV000367401.23), dbSNP rs114232513, ClinGen allele CA5093049.

ClinVar aggregate classification (germline): Benign/Likely benign. Review status: criteria provided, multiple submitters, no conflicts (2 of 4 stars). 9 submissions from 9 submitters: Benign (5); Likely benign (1). 3 of the submissions do not count toward it. Last evaluated 2026-01-28.

Conditions:
VPS13A-related neurodegenerative disease. Also called: LEVINE-CRITCHLEY SYNDROME; Chorea-acanthocytosis; ACANTHOCYTOSIS WITH NEUROLOGIC DISORDER; Choreoacanthocytosis; Choreaacanthocytosis; VPS13A Disease. Identifiers: Orphanet 2388, MedGen C0393576, MONDO:0008695, OMIM 200150.

Allele frequency attached by ClinVar (database versions not stated): gnomAD exomes 0.00049 and 0.00134; ExAC 0.00381; ESP Exome Variant Server 0.00431; gnomAD 0.00537 and 0.00574; TOPMed 0.00623; 1000 Genomes Project 0.00799; 1000 Genomes Project 30x 0.00921.
gnomAD v4.1: 1,551 of 1,568,116 alleles (0.099%); highest among the groups gnomAD compares: African/African-American, 1.8%; 12 homozygotes.

Submissions (9):

Labcorp Genetics (formerly Invitae), Labcorp
Classification: Benign. Last evaluated: 2026-01-28. Review status: criteria provided, single submitter. Criteria: Invitae Variant Classification Sherloc (09022015). Collection method: clinical testing. Allele origin: germline.

Mayo Clinic Laboratories, Mayo Clinic
Classification: Benign. Last evaluated: 2025-06-30. Review status: criteria provided, single submitter. Criteria: ACMG Guidelines, 2015. Collection method: clinical testing. Allele origin: germline. Observed: 1 variant allele.
Comment: BA1, BP4

Blueprint Genetics
Classification: Likely benign. Last evaluated: 2024-11-05. Review status: criteria provided, single submitter. Criteria: ACMG Guidelines, 2015. Collection method: clinical testing. Allele origin: germline.

Athena Diagnostics
Classification: Benign. Last evaluated: 2019-05-31. Review status: criteria provided, single submitter. Criteria: Athena Diagnostics Criteria. Collection method: clinical testing. Allele origin: germline.

Illumina Laboratory Services, Illumina
Classification: Benign for VPS13A-related neurodegenerative disease. Last evaluated: 2018-01-12. Review status: criteria provided, single submitter. Criteria: ICSL Variant Classification Criteria 13 December 2019. Collection method: clinical testing. Allele origin: germline.
Comment: This variant was observed in the ICSL laboratory as part of a predisposition screen in an ostensibly healthy population. It had not been previously curated by ICSL or reported in the Human Gene Mutation Database (HGMD: prior to June 1st, 2018), and was therefore a candidate for classification through an automated scoring system. Utilizing variant allele frequency, disease prevalence and penetrance estimates, and inheritance mode, an automated score was calculated to assess if this variant is too frequent to cause the disease. Based on the score and internal cut-off values, a variant classified as benign is not then subjected to further curation. The score for this variant resulted in a classification of benign for this disease.

Breakthrough Genomics
Classification: Benign. Review status: criteria provided, single submitter. Criteria: ACMG Guidelines, 2015. Collection method: not provided. Allele origin: germline. Inheritance: Autosomal recessive inheritance. Affected: yes.

Natera, Inc.
Classification: Benign for Choreaacanthocytosis. Last evaluated: 2019-11-11. Review status: no assertion criteria provided. Collection method: clinical testing. Allele origin: germline. Not counted in ClinVar's aggregate classification.

Clinical Genetics DNA and cytogenetics Diagnostics Lab, Erasmus MC, Erasmus Medical Center
Classification: Likely benign. Review status: no assertion criteria provided. Collection method: clinical testing. Allele origin: germline. Affected: yes. Study: VKGL Data-share Consensus. Not counted in ClinVar's aggregate classification.

Genome Diagnostics Laboratory, Amsterdam University Medical Center
Classification: Likely benign. Review status: no assertion criteria provided. Collection method: clinical testing. Allele origin: germline. Affected: yes. Study: VKGL Data-share Consensus. Not counted in ClinVar's aggregate classification.